The following is an entry in ClinVar:

ClinVar aggregate classification (germline): Conflicting classifications of pathogenicity. Review status: criteria provided, conflicting classifications (1 of 4 stars). 3 submissions from 3 submitters: Likely pathogenic (2); Uncertain significance (1). Last evaluated 2025-11-11.

Conditions:
MYH7-related disorder. Also called: MYH7-related condition; MYH7-related disease; MYH7-related disorders.
Hypertrophic cardiomyopathy. Also called: HYPERTROPHIC MYOCARDIOPATHY. Identifiers: Orphanet 217569, MedGen C0007194, MeSH D002312, MONDO:0005045, HP:0001639.

Submissions (3):

Labcorp Genetics (formerly Invitae), Labcorp
Classification: Uncertain significance for Hypertrophic cardiomyopathy. Last evaluated: 2025-11-11. Review status: criteria provided, single submitter. Criteria: Invitae Variant Classification Sherloc (09022015). Collection method: clinical testing. Allele origin: germline.
Comment: This sequence change replaces methionine, which is neutral and non-polar, with leucine, which is neutral and non-polar, at codon 822 of the MYH7 protein (p.Met822Leu). This variant is not present in population databases (gnomAD no frequency). This missense change has been observed in individual(s) with hypertrophic cardiomyopathy (PMID: 12820698, 19149795, 20975235, 25351510). ClinVar contains an entry for this variant (Variation ID: 181188). Invitae Evidence Modeling of protein sequence and biophysical properties (such as structural, functional, and spatial information, amino acid conservation, physicochemical variation, residue mobility, and thermodynamic stability) has been performed for this missense variant. However, the output from this modeling did not meet the statistical confidence thresholds required to predict the impact of this variant on MYH7 protein function. This variant is found within a region of MYH7 between codons 181 and 937 that contains the majority of the myosin head domain. Missense variants in this region have been shown to be significantly overrepresented in individuals with hypertrophic cardiomyopathy (PMID: 27532257). This variant disrupts the p.Met822 amino acid residue in MYH7. Other variant(s) that disrupt this residue have been determined to be pathogenic (PMID: 12881443). This suggests that this residue is clinically significant, and that variants that disrupt this residue are likely to be disease-causing. In summary, the available evidence is currently insufficient to determine the role of this variant in disease. Therefore, it has been classified as a Variant of Uncertain Significance.

Blueprint Genetics
Classification: Likely pathogenic for MYH7-related disorders. Last evaluated: 2024-10-25. Review status: criteria provided, single submitter. Criteria: ACMG Guidelines, 2015. Collection method: clinical testing. Allele origin: germline. Affected: yes. Observed: 1 variant allele.

GeneDx
Classification: Likely pathogenic. Last evaluated: 2017-01-06. Review status: criteria provided, single submitter. Criteria: GeneDx Variant Classification (06012015). Collection method: clinical testing. Allele origin: germline. Affected: yes.
Comment: The M822L likely pathogenic variant due to the nucleotide substitution c.2464 A>T in the MYH7 gene has been previously reported in one individual with HCM (Lopes et al., 2015). The same amino acid substitution due to a different nucleotide change (M822L, c.2464 A>C) has also been previously reported in association with HCM (Fujino et al., 2013). The M822L variant was not observed in approximately 6,500 individuals of European and African American ancestry in the NHLBI Exome Sequencing Project, indicating it is not a common benign variant in these populations. While M822L is a conservative amino acid substitution, it occurs at a position that is conserved across species. In addition, the majority of in silico tools also predict this variant is probably damaging to the protein structure/function. Moreover, a missense variant in the same residue (M822V) has been reported in the Human Gene Mutation Database in association with HCM (Stenson et al., 2014), further supporting the functional importance of this residue of the protein. Therefore, this variant is likely pathogenic. In order to definitively determine its clinical significance, additional data is required.

Literature cited by the submitters: PubMed 12820698 (cited by Labcorp Genetics (formerly Invitae), Labcorp); PubMed 19149795 (cited by Labcorp Genetics (formerly Invitae), Labcorp); PubMed 20975235 (cited by Labcorp Genetics (formerly Invitae), Labcorp); PubMed 25351510 (cited by Labcorp Genetics (formerly Invitae), Labcorp); PubMed 27532257 (cited by Labcorp Genetics (formerly Invitae), Labcorp); PubMed 12881443 (cited by Labcorp Genetics (formerly Invitae), Labcorp).

NM_000257.4(MYH7):c.2464A>T (p.Met822Leu)

Genes: MYH7 (myosin heavy chain 7; minus strand), LOC126861898 (BRD4-independent group 4 enhancer GRCh37_chr14:23893609-23894808; plus strand). Cytogenetic location: 14q11.2.
Variant type: single nucleotide variant.
Coding change: c.2464A>T on transcript NM_000257.4 (MANE Select); coding-DNA position 2464, A replaced by T.
Protein change: p.Met822Leu; replaces methionine 822 with leucine.
Molecular consequence: missense variant.
Genome position (GRCh38, 1-based): chr14:23,424,984, T>A on the plus strand (A>T on the coding strand, the complement: MYH7 is on the minus strand). VCF-style: chr14-23424984-T-A. GRCh37 (hg19) VCF-style: chr14-23894193-T-A.
Other names: p.M822L:ATG>TTG; c.2464A>T (LRG_384t1); short protein forms M822L.
Identifiers: ClinVar variation 181188 (VCV000181188.11), dbSNP rs730880742, ClinGen allele CA012377.